The following is an entry in ClinVar:

ClinVar aggregate classification (germline): Uncertain significance (1 of 4 stars; one submission).

Conditions:
Congenital adrenal hyperplasia due to cytochrome P450 oxidoreductase deficiency. Also called: DISORDERED STEROIDOGENESIS DUE TO POR DEFICIENCY. Identifiers: Orphanet 95699, MedGen C1860042, MONDO:0013310, OMIM 613571.

Allele frequency attached by ClinVar (database versions not stated): ExAC 0.00002.
gnomAD v4.1: 4 of 1,612,850 alleles (0.00025%); highest among the groups gnomAD compares: East Asian, 0.0022%; no homozygotes.

Submission:

Labcorp Genetics (formerly Invitae), Labcorp
Classification: Uncertain significance for Congenital adrenal hyperplasia due to cytochrome P450 oxidoreductase deficiency. Last evaluated: 2022-06-23. Review status: criteria provided, single submitter. Criteria: Invitae Variant Classification Sherloc (09022015). Collection method: clinical testing. Allele origin: germline.
Comment: This sequence change replaces serine, which is neutral and polar, with asparagine, which is neutral and polar, at codon 127 of the POR protein (p.Ser127Asn). This variant is present in population databases (rs782774766, gnomAD 0.006%). This variant has not been reported in the literature in individuals affected with POR-related conditions. Algorithms developed to predict the effect of missense changes on protein structure and function (SIFT, PolyPhen-2, Align-GVGD) all suggest that this variant is likely to be tolerated. In summary, the available evidence is currently insufficient to determine the role of this variant in disease. Therefore, it has been classified as a Variant of Uncertain Significance.

NM_001395413.1(POR):c.371G>A (p.Ser124Asn)

Gene: POR (cytochrome p450 oxidoreductase; plus strand). Cytogenetic location: 7q11.23.
Variant type: single nucleotide variant.
Coding change: c.371G>A on transcript NM_001395413.1 (MANE Select); coding-DNA position 371, G replaced by A.
Protein change: p.Ser124Asn; replaces serine 124 with asparagine.
Molecular consequence: missense variant.
Genome position (GRCh38, 1-based): chr7:75,980,352, G>A. VCF-style: chr7-75980352-G-A. GRCh37 (hg19) VCF-style: chr7-75609670-G-A.
Other names: c.380G>A, p.Ser127Asn (NM_000941.2, NM_000941.3); c.371G>A, p.Ser124Asn (NM_001367562.3, NM_001382657.2, NM_001382658.3 and 2 more transcripts); c.425G>A, p.Ser142Asn (NM_001382655.3); short protein forms S127N, S142N, S124N.
Identifiers: ClinVar variation 2009560 (VCV002009560.1), dbSNP rs782774766, ClinGen allele CA4303626.